The following is an entry in ClinVar:

ClinVar aggregate classification (germline): Likely benign. Review status: criteria provided, multiple submitters, no conflicts (2 of 4 stars). 3 submissions from 3 submitters: Likely benign (3). Last evaluated 2023-06-20.

Conditions:
Congenital contractural arachnodactyly (CCA). Also called: BEALS SYNDROME; Beals-Hecht syndrome; Arthrogryposis, distal, type 9. Identifiers: Orphanet 115, MedGen C0220668, MONDO:0007363, OMIM 121050.

Allele frequency attached by ClinVar (database versions not stated): gnomAD exomes below 0.00001.

Submissions (3):

Labcorp Genetics (formerly Invitae), Labcorp
Classification: Likely benign for Congenital contractural arachnodactyly. Last evaluated: 2023-06-20. Review status: criteria provided, single submitter. Criteria: Invitae Variant Classification Sherloc (09022015). Collection method: clinical testing. Allele origin: germline.

ARUP Laboratories, Molecular Genetics and Genomics, ARUP Laboratories
Classification: Likely benign. Last evaluated: 2019-10-08. Review status: criteria provided, single submitter. Criteria: ARUP Molecular Germline Variant Investigation Process. Collection method: clinical testing. Allele origin: germline.

GeneDx
Classification: Likely benign. Last evaluated: 2017-05-18. Review status: criteria provided, single submitter. Criteria: GeneDx Variant Classification (06012015). Collection method: clinical testing. Allele origin: germline. Affected: yes.
Comment: This variant is considered likely benign or benign based on one or more of the following criteria: it is a conservative change, it occurs at a poorly conserved position in the protein, it is predicted to be benign by multiple in silico algorithms, and/or has population frequency not consistent with disease.

NM_001999.4(FBN2):c.7A>C (p.Arg3=)

Gene: FBN2 (fibrillin 2; minus strand). Cytogenetic location: 5q23.3.
Variant type: single nucleotide variant.
Coding change: c.7A>C on transcript NM_001999.4 (MANE Select); coding-DNA position 7, A replaced by C.
Protein change: p.Arg3=; no amino-acid change (arginine 3 retained).
Molecular consequence: synonymous variant.
Genome position (GRCh38, 1-based): chr5:128,537,597, T>G on the plus strand (A>C on the coding strand, the complement: FBN2 is on the minus strand). VCF-style: chr5-128537597-T-G. GRCh37 (hg19) VCF-style: chr5-127873290-T-G.
Identifiers: ClinVar variation 516983 (VCV000516983.12), dbSNP rs1466844222, ClinGen allele CA446309079.